The following is an entry in ClinVar:

ClinVar aggregate classification (germline): Uncertain significance. Review status: criteria provided, multiple submitters, no conflicts (2 of 4 stars). 2 submissions from 2 submitters: Uncertain significance (2). Last evaluated 2025-01-09.

Conditions:
Encephalopathy, acute, infection-induced (herpes-specific), susceptibility to, 1. Also called: Herpes simplex encephalitis, susceptibility to, 1. Identifiers: Orphanet 1930, MedGen C2750180, MONDO:0024563, OMIM 610551.

gnomAD v4.1: 3 of 1,613,266 alleles (0.00019%); highest among the groups gnomAD compares: Admixed American, 0.0017%; no homozygotes.

Submissions (2):

Ambry Genetics
Classification: Uncertain significance. Last evaluated: 2025-01-09. Review status: criteria provided, single submitter. Criteria: Ambry Variant Classification Scheme 2023. Collection method: clinical testing. Allele origin: germline.

Labcorp Genetics (formerly Invitae), Labcorp
Classification: Uncertain significance for Encephalopathy, acute, infection-induced (herpes-specific), susceptibility to, 1. Last evaluated: 2022-08-19. Review status: criteria provided, single submitter. Criteria: Invitae Variant Classification Sherloc (09022015). Collection method: clinical testing. Allele origin: germline.
Comment: This sequence change replaces alanine, which is neutral and non-polar, with proline, which is neutral and non-polar, at codon 214 of the UNC93B1 protein (p.Ala214Pro). This variant is not present in population databases (gnomAD no frequency). This variant has not been reported in the literature in individuals affected with UNC93B1-related conditions. ClinVar contains an entry for this variant (Variation ID: 1464684). Experimental studies and prediction algorithms are not available or were not evaluated, and the functional significance of this variant is currently unknown. In summary, the available evidence is currently insufficient to determine the role of this variant in disease. Therefore, it has been classified as a Variant of Uncertain Significance.

NM_030930.4(UNC93B1):c.640G>C (p.Ala214Pro)

Gene: UNC93B1 (unc-93B1 regulator of TLR signaling; minus strand). Cytogenetic location: 11q13.2.
Variant type: single nucleotide variant.
Coding change: c.640G>C on transcript NM_030930.4 (MANE Select); coding-DNA position 640, G replaced by C.
Protein change: p.Ala214Pro; replaces alanine 214 with proline.
Molecular consequence: missense variant.
Genome position (GRCh38, 1-based): chr11:67,999,220, C>G on the plus strand (G>C on the coding strand, the complement: UNC93B1 is on the minus strand). VCF-style: chr11-67999220-C-G. GRCh37 (hg19) VCF-style: chr11-67766690-C-G.
Other names: c.640G>C (NM_030930.2); short protein forms A214P.
Identifiers: ClinVar variation 1464684 (VCV001464684.4), dbSNP rs1304010328, ClinGen allele CA381575817.